The following is an entry in ClinVar:

ClinVar aggregate classification (germline): Benign/Likely benign. Review status: criteria provided, multiple submitters, no conflicts (2 of 4 stars). 2 submissions from 2 submitters: Benign (1); Likely benign (1). Last evaluated 2024-08-12.

Conditions:
Seizures, benign familial infantile, 3 (BFIS3). Also called: Familial neonatal seizures; CONVULSIONS, BENIGN FAMILIAL INFANTILE, 3. Identifiers: Orphanet 140927, Orphanet 306, MedGen C1843140, MONDO:0011904, OMIM 607745.
Developmental and epileptic encephalopathy, 11 (DEE11). Also called: Early infantile epileptic encephalopathy 11. Identifiers: Orphanet 1934, MedGen C3150987, MONDO:0013388, OMIM 613721.

Allele frequency attached by ClinVar (database versions not stated): gnomAD exomes 0.00001; ExAC 0.00002; TOPMed 0.00007; gnomAD 0.00009; 1000 Genomes Project 30x 0.00016; 1000 Genomes Project 0.00020.
gnomAD v4.1: 16 of 1,613,530 alleles (0.00099%); highest among the groups gnomAD compares: African/African-American, 0.02%; no homozygotes.

Submissions (2):

Labcorp Genetics (formerly Invitae), Labcorp
Classification: Likely benign for Seizures, benign familial infantile, 3; Developmental and epileptic encephalopathy, 11. Last evaluated: 2024-08-12. Review status: criteria provided, single submitter. Criteria: Invitae Variant Classification Sherloc (09022015). Collection method: clinical testing. Allele origin: germline.

GeneDx
Classification: Benign. Last evaluated: 2015-04-21. Review status: criteria provided, single submitter. Criteria: GeneDx Variant Classification (06012015). Collection method: clinical testing. Allele origin: germline. Affected: yes.
Comment: This variant is considered likely benign or benign based on one or more of the following criteria: it is a conservative change, it occurs at a poorly conserved position in the protein, it is predicted to be benign by multiple in silico algorithms, and/or has population frequency not consistent with disease.

NM_001040142.2(SCN2A):c.4110C>T (p.Thr1370=)

Gene: SCN2A (sodium voltage-gated channel alpha subunit 2; plus strand). Cytogenetic location: 2q24.3.
Variant type: single nucleotide variant.
Coding change: c.4110C>T on transcript NM_001040142.2 (MANE Select); coding-DNA position 4110, C replaced by T.
Protein change: p.Thr1370=; no amino-acid change (threonine 1370 retained).
Molecular consequence: synonymous variant.
Genome position (GRCh38, 1-based): chr2:165,374,822, C>T. VCF-style: chr2-165374822-C-T. GRCh37 (hg19) VCF-style: chr2-166231332-C-T.
Other names: c.4110C>T, p.Thr1370= (NM_001040143.2, NM_001371246.1, NM_001371247.1 and 1 more transcripts).
Identifiers: ClinVar variation 378533 (VCV000378533.10), dbSNP rs148868382, ClinGen allele CA1940222.